The following is an entry in ClinVar:

NM_005629.4(SLC6A8):c.524C>T (p.Thr175Ile)

Gene: SLC6A8 (solute carrier family 6 member 8; plus strand). Cytogenetic location: Xq28.
Variant type: single nucleotide variant.
Coding change: c.524C>T on transcript NM_005629.4 (MANE Select); coding-DNA position 524, C replaced by T.
Protein change: p.Thr175Ile; replaces threonine 175 with isoleucine.
Molecular consequence: missense variant.
Genome position (GRCh38, 1-based): chrX:153,691,433, C>T. VCF-style: chrX-153691433-C-T. GRCh37 (hg19) VCF-style: chrX-152956888-C-T.
Other names: c.524C>T, p.Thr175Ile (NM_001142805.2); c.179C>T, p.Thr60Ile (NM_001142806.1); short protein forms T60I, T175I.
Identifiers: ClinVar variation 2914526 (VCV002914526.3), dbSNP rs1557044434, ClinGen allele CA415078958.
Genomic context (GRCh38, chrX:153,691,433, plus strand): 5'-GCTTCTATTACCTGGTCAAGTCCTTTACCACCACGCTGCCCTGGGCCACATGTGGCCACA[C>T]CTGGAACACTCCCGACTGCGTGGAGATCTTCCGCCATGAAGACTGTGCCAATGCCAGCCT-3'
Protein context (NP_005620.1, residues 165-185): TTLPWATCGH[Thr175Ile]WNTPDCVEIF

ClinVar aggregate classification (germline): Uncertain significance (1 of 4 stars; one submission).

Conditions:
Creatine transporter deficiency (CCDS1). Also called: Mental retardation , X-linked with seizures, short stature and midface hypoplasia; Mental retardation , X-linked, with creatine transport deficiency; X-linked creatine transporter deficiency; X-linked creatine deficiency syndrome; SLC6A8-Related Creatine Transporter Deficiency; CREATINE TRANSPORTER DEFECT. Identifiers: Orphanet 52503, MedGen C1845862, MONDO:0010305, OMIM 300352.

Allele frequency attached by ClinVar (database versions not stated): gnomAD exomes below 0.00001.

Submission:

Labcorp Genetics (formerly Invitae), Labcorp
Classification: Uncertain significance for Creatine transporter deficiency. Last evaluated: 2024-10-23. Review status: criteria provided, single submitter. Criteria: Invitae Variant Classification Sherloc (09022015). Collection method: clinical testing. Allele origin: germline.
Comment: This sequence change replaces threonine, which is neutral and polar, with isoleucine, which is neutral and non-polar, at codon 175 of the SLC6A8 protein (p.Thr175Ile). This variant is present in population databases (no rsID available, gnomAD 0.001%). This variant has not been reported in the literature in individuals affected with SLC6A8-related conditions. Invitae Evidence Modeling of protein sequence and biophysical properties (such as structural, functional, and spatial information, amino acid conservation, physicochemical variation, residue mobility, and thermodynamic stability) indicates that this missense variant is not expected to disrupt SLC6A8 protein function with a negative predictive value of 95%. In summary, the available evidence is currently insufficient to determine the role of this variant in disease. Therefore, it has been classified as a Variant of Uncertain Significance.